The following is an entry in ClinVar:

ClinVar aggregate classification (germline): Uncertain significance. Review status: criteria provided, multiple submitters, no conflicts (2 of 4 stars). 4 submissions from 4 submitters: Uncertain significance (4). Last evaluated 2026-09-10.

Conditions:
Inborn genetic diseases. Identifiers: MedGen C0950123, MeSH D030342.

Allele frequency attached by ClinVar (database versions not stated): TOPMed 0.00004; gnomAD exomes 0.00009; ExAC 0.00005; gnomAD 0.00005; ESP Exome Variant Server 0.00015.
gnomAD v4.1: 134 of 1,613,968 alleles (0.0083%); highest among the groups gnomAD compares: Non-Finnish European, 0.011%; no homozygotes.

Submissions (4):

Ambry Genetics
Classification: Uncertain significance for Inborn genetic diseases. Last evaluated: 2026-09-10. Review status: criteria provided, single submitter. Criteria: Ambry Variant Classification Scheme 2023. Collection method: clinical testing. Allele origin: germline.

Labcorp Genetics (formerly Invitae), Labcorp
Classification: Uncertain significance. Last evaluated: 2024-06-11. Review status: criteria provided, single submitter. Criteria: Invitae Variant Classification Sherloc (09022015). Collection method: clinical testing. Allele origin: germline.
Comment: This sequence change replaces glutamine, which is neutral and polar, with arginine, which is basic and polar, at codon 372 of the HSPG2 protein (p.Gln372Arg). This variant is present in population databases (rs200224754, gnomAD 0.008%). This variant has not been reported in the literature in individuals affected with HSPG2-related conditions. ClinVar contains an entry for this variant (Variation ID: 1800775). An algorithm developed to predict the effect of missense changes on protein structure and function (PolyPhen-2) suggests that this variant is likely to be tolerated. In summary, the available evidence is currently insufficient to determine the role of this variant in disease. Therefore, it has been classified as a Variant of Uncertain Significance.

GeneDx
Classification: Uncertain significance. Last evaluated: 2022-11-15. Review status: criteria provided, single submitter. Criteria: GeneDx Variant Classification Process June 2021. Collection method: clinical testing. Allele origin: germline. Affected: yes.
Comment: In silico analysis supports that this missense variant does not alter protein structure/function; Has not been previously published as pathogenic or benign to our knowledge; In silico analysis is inconclusive as to whether the variant alters gene splicing. In the absence of RNA/functional studies, the actual effect of this sequence change is unknown.

Revvity Omics, Revvity
Classification: Uncertain significance. Last evaluated: 2019-06-21. Review status: criteria provided, single submitter. Criteria: ACMG Guidelines, 2015. Collection method: clinical testing. Allele origin: germline.

NM_005529.7(HSPG2):c.1115A>G (p.Gln372Arg)

Gene: HSPG2 (heparan sulfate proteoglycan 2; minus strand). Cytogenetic location: 1p36.12.
Variant type: single nucleotide variant.
Coding change: c.1115A>G on transcript NM_005529.7 (MANE Select); coding-DNA position 1115, A replaced by G.
Protein change: p.Gln372Arg; replaces glutamine 372 with arginine.
Molecular consequence: missense variant.
Genome position (GRCh38, 1-based): chr1:21,885,415, T>C on the plus strand (A>G on the coding strand, the complement: HSPG2 is on the minus strand). VCF-style: chr1-21885415-T-C. GRCh37 (hg19) VCF-style: chr1-22211908-T-C.
Other names: c.1115A>G, p.Gln372Arg (NM_001291860.2); short protein forms Q372R.
Identifiers: ClinVar variation 1800775 (VCV001800775.10), dbSNP rs200224754, ClinGen allele CA673562.